The following is an entry in ClinVar:

ClinVar aggregate classification (germline): Likely benign (1 of 4 stars; one submission).

Conditions:
NCOA1-related disorder. Also called: NCOA1-related condition.

gnomAD v4.1: 10 of 1,611,036 alleles (0.00062%); highest among the groups gnomAD compares: Non-Finnish European, 0.00085%; no homozygotes.

Submission:

PreventionGenetics, part of Exact Sciences
Classification: Likely benign for NCOA1-related condition. Last evaluated: 2025-03-13. Review status: criteria provided, single submitter. Criteria: ACMG Guidelines, 2015. Collection method: clinical testing. Allele origin: germline.
Comment: This variant is classified as likely benign based on ACMG/AMP sequence variant interpretation guidelines (Richards et al. 2015 PMID: 25741868, with internal and published modifications).

NM_003743.5(NCOA1):c.2682T>C (p.Asn894=)

Gene: NCOA1 (nuclear receptor coactivator 1; plus strand). Cytogenetic location: 2p23.3.
Variant type: single nucleotide variant.
Coding change: c.2682T>C on transcript NM_003743.5 (MANE Select); coding-DNA position 2682, T replaced by C.
Protein change: p.Asn894=; no amino-acid change (asparagine 894 retained).
Molecular consequence: synonymous variant.
Genome position (GRCh38, 1-based): chr2:24,726,671, T>C. VCF-style: chr2-24726671-T-C. GRCh37 (hg19) VCF-style: chr2-24949540-T-C.
Other names: c.2682T>C, p.Asn894= (NM_001362950.1, NM_001362952.1, NM_001362954.1 and 3 more transcripts).
Identifiers: ClinVar variation 4998207 (VCV004998207.1).